The following is an entry in ClinVar:

NM_052854.4(CREB3L1):c.683C>G (p.Ser228Cys)

Gene: CREB3L1 (cAMP responsive element binding protein 3 like 1; plus strand). Cytogenetic location: 11p11.2.
Variant type: single nucleotide variant.
Coding change: c.683C>G on transcript NM_052854.4 (MANE Select); coding-DNA position 683, C replaced by G.
Protein change: p.Ser228Cys; replaces serine 228 with cysteine.
Molecular consequence: missense variant.
Genome position (GRCh38, 1-based): chr11:46,311,119, C>G. VCF-style: chr11-46311119-C-G. GRCh37 (hg19) VCF-style: chr11-46332670-C-G.
Other names: short protein forms S228C.
Identifiers: ClinVar variation 1921839 (VCV001921839.5), dbSNP rs766415281, ClinGen allele CA5961665.

ClinVar aggregate classification (germline): Uncertain significance (1 of 4 stars; one submission).

Allele frequency attached by ClinVar (database versions not stated): TOPMed below 0.00001; ExAC 0.00001; gnomAD 0.00001.
gnomAD v4.1: 7 of 1,607,488 alleles (0.00044%); highest among the groups gnomAD compares: East Asian, 0.0022%; no homozygotes.

Submission:

Labcorp Genetics (formerly Invitae), Labcorp
Classification: Uncertain significance. Last evaluated: 2025-03-03. Review status: criteria provided, single submitter. Criteria: Invitae Variant Classification Sherloc (09022015). Collection method: clinical testing. Allele origin: germline.
Comment: This sequence change replaces serine, which is neutral and polar, with cysteine, which is neutral and slightly polar, at codon 228 of the CREB3L1 protein (p.Ser228Cys). This variant is present in population databases (rs766415281, gnomAD 0.002%). This variant has not been reported in the literature in individuals affected with CREB3L1-related conditions. ClinVar contains an entry for this variant (Variation ID: 1921839). An algorithm developed to predict the effect of missense changes on protein structure and function (PolyPhen-2) suggests that this variant is likely to be disruptive. In summary, the available evidence is currently insufficient to determine the role of this variant in disease. Therefore, it has been classified as a Variant of Uncertain Significance.